The following is an entry in ClinVar:

NM_000051.4(ATM):c.2548del (p.Glu850fs)

Gene: ATM (ATM serine/threonine kinase; plus strand). Cytogenetic location: 11q22.3.
Variant type: Deletion.
Coding change: c.2548del on transcript NM_000051.4 (MANE Select); coding-DNA position 2548, one base deleted (G; older notation c.2548delG).
Protein change: p.Glu850fs; shifts the reading frame from glutamic acid 850.
Molecular consequence: frameshift variant.
Genome position (GRCh38, 1-based): chr11:108,267,252, G deleted; the last of 2 consecutive G bases (chr11:108,267,251-108,267,252); deleting either gives the same sequence. VCF-style (leftmost placement, unchanged base first): chr11-108267250-TG-T. GRCh37 (hg19) VCF-style: chr11-108137977-TG-T.
Other names: c.2548del, p.Glu850fs (NM_001351834.2); short protein forms E850fs.
Identifiers: ClinVar variation 2587784 (VCV002587784.2), dbSNP rs2497594252, ClinGen allele CA2582342451.
Genomic context (GRCh38, chr11:108,267,250, plus strand): 5'-CATTTGACCGTGGAGAAGTAGAATCAATGGAAGATGATACTAATGGAAATCTAATGGAGG[TG>T]GAGGATCAGTCATCCATGAATCTATTTAACGATTACCCTGATAGTAGTGTTAGTGATGCA-3'

ClinVar aggregate classification (germline): Pathogenic (1 of 4 stars; one submission).

Conditions:
Hereditary cancer-predisposing syndrome. Also called: Tumor predisposition; Hereditary Cancer Syndrome; Hereditary neoplastic syndrome; Neoplastic Syndromes, Hereditary. Identifiers: Orphanet 140162, MedGen C0027672, MeSH D009386, MONDO:0015356.

Submission:

Ambry Genetics
Classification: Pathogenic for Hereditary cancer-predisposing syndrome. Last evaluated: 2023-07-28. Review status: criteria provided, single submitter. Criteria: Ambry Variant Classification Scheme 2023. Collection method: clinical testing. Allele origin: germline.
Comment: The c.2548delG variant, located in coding exon 16 of the ATM gene, results from a deletion of one nucleotide at nucleotide position 2548, causing a translational frameshift with a predicted alternate stop codon (p.E850Rfs*6). This variant is considered to be rare based on population cohorts in the Genome Aggregation Database (gnomAD). This alteration is expected to result in loss of function by premature protein truncation or nonsense-mediated mRNA decay. As such, this alteration is interpreted as a disease-causing mutation.